The following is an entry in ClinVar:

NM_003611.3(OFD1):c.1478T>C (p.Ile493Thr)

Gene: OFD1 (OFD1 centriole and centriolar satellite protein; plus strand). Cytogenetic location: Xp22.2.
Variant type: single nucleotide variant.
Coding change: c.1478T>C on transcript NM_003611.3 (MANE Select); coding-DNA position 1478, T replaced by C.
Protein change: p.Ile493Thr; replaces isoleucine 493 with threonine.
Molecular consequence: missense variant.
Genome position (GRCh38, 1-based): chrX:13,757,726, T>C. VCF-style: chrX-13757726-T-C. GRCh37 (hg19) VCF-style: chrX-13775845-T-C.
Other names: c.1358T>C, p.Ile453Thr (NM_001330209.2); c.1058T>C, p.Ile353Thr (NM_001330210.2); short protein forms I493T, I453T, I353T.
Identifiers: ClinVar variation 1397896 (VCV001397896.9), dbSNP rs2147032761, ClinGen allele CA412343104.
Genomic context (GRCh38, chrX:13,757,726, plus strand): 5'-CTCAGCCGGCTCCTGAACTTGCAGTCTTTCAGAAAGAACTACGGAAAGCCGAAAAGGCTA[T>C]AGTGGTTGAGCATGAGGAGTTCGAAAGCTGCAGGCAAGCTCTGCACAAACAACTGCAAGA-3'
Protein context (NP_003602.1, residues 483-503): QKELRKAEKA[Ile493Thr]VVEHEEFESC

ClinVar aggregate classification (germline): Uncertain significance. Review status: criteria provided, multiple submitters, no conflicts (2 of 4 stars). 2 submissions from 2 submitters: Uncertain significance (2). Last evaluated 2021-11-27.

Conditions:
Joubert syndrome. Also called: CEREBELLOPARENCHYMAL DISORDER IV; JOUBERT-BOLTSHAUSER SYNDROME; Familial aplasia of the vermis. Identifiers: Orphanet 475, MedGen C5979921, MONDO:0018772.
Orofaciodigital syndrome I (OFD1). Also called: OFDS I; Papillon-Leage and Psaume Syndrome; Oral-Facial-Digital Syndrome Type I. Identifiers: Orphanet 2750, MedGen C1510460, MONDO:0010702, OMIM 311200.
Simpson-Golabi-Behmel syndrome type 2. Identifiers: Orphanet 79022, MedGen C1846175, MONDO:0010265, OMIM 300209.
Joubert syndrome 10 (JBTS10). Identifiers: Orphanet 2754, MedGen C2749019, MONDO:0010431, OMIM 300804.
Retinitis pigmentosa 23 (RP23). Identifiers: Orphanet 791, MedGen C1419610, MONDO:0010320, OMIM 300424.

Submissions (2):

Fulgent Genetics
Classification: Uncertain significance for Simpson-Golabi-Behmel syndrome type 2; Retinitis pigmentosa 23; Joubert syndrome 10; Orofaciodigital syndrome I. Last evaluated: 2021-11-27. Review status: criteria provided, single submitter. Criteria: ACMG Guidelines, 2015. Collection method: clinical testing. Allele origin: unknown.

Labcorp Genetics (formerly Invitae), Labcorp
Classification: Uncertain significance for Orofaciodigital syndrome I; Joubert syndrome. Last evaluated: 2020-11-25. Review status: criteria provided, single submitter. Criteria: Invitae Variant Classification Sherloc (09022015). Collection method: clinical testing. Allele origin: germline.
Comment: This variant is not present in population databases (ExAC no frequency). In summary, the available evidence is currently insufficient to determine the role of this variant in disease. Therefore, it has been classified as a Variant of Uncertain Significance. Algorithms developed to predict the effect of missense changes on protein structure and function (SIFT, PolyPhen-2, Align-GVGD) all suggest that this variant is likely to be tolerated, but these predictions have not been confirmed by published functional studies and their clinical significance is uncertain. This variant has not been reported in the literature in individuals with OFD1-related conditions. This sequence change replaces isoleucine with threonine at codon 493 of the OFD1 protein (p.Ile493Thr). The isoleucine residue is moderately conserved and there is a moderate physicochemical difference between isoleucine and threonine.